The following is an entry in ClinVar:

ClinVar aggregate classification (germline): Likely benign. Review status: criteria provided, multiple submitters, no conflicts (2 of 4 stars). 2 submissions from 2 submitters: Likely benign (2). Last evaluated 2026-07-01.

Allele frequency attached by ClinVar (database versions not stated): 1000 Genomes Project 30x 0.00016; 1000 Genomes Project 0.00020; TOPMed 0.00054; ESP Exome Variant Server 0.00062; gnomAD 0.00072 and 0.00076; gnomAD exomes 0.00113 and 0.00139; ExAC 0.00184.
gnomAD v4.1: 1,734 of 1,611,966 alleles (0.11%); highest among the groups gnomAD compares: Non-Finnish European, 0.12%; 4 homozygotes.

Submissions (2):

CeGaT Center for Human Genetics Tuebingen
Classification: Likely benign. Last evaluated: 2026-07-01. Review status: criteria provided, single submitter. Criteria: CeGaT Center For Human Genetics Tuebingen Variant Classification Criteria Version 2. Collection method: clinical testing. Allele origin: germline. Affected: yes. Observed: 4 variant alleles.
Comment: HERC2: BP4, BP7

Blueprint Genetics
Classification: Likely benign. Last evaluated: 2024-11-04. Review status: criteria provided, single submitter. Criteria: ACMG Guidelines, 2015. Collection method: clinical testing. Allele origin: germline.

NM_004667.6(HERC2):c.6123C>T (p.Gly2041=)

Gene: HERC2 (HECT and RLD domain containing E3 ubiquitin protein ligase 2; minus strand). Cytogenetic location: 15q13.1.
Variant type: single nucleotide variant.
Coding change: c.6123C>T on transcript NM_004667.6 (MANE Select); coding-DNA position 6123, C replaced by T.
Protein change: p.Gly2041=; no amino-acid change (glycine 2041 retained).
Molecular consequence: synonymous variant.
Genome position (GRCh38, 1-based): chr15:28,215,708, G>A on the plus strand (C>T on the coding strand, the complement: HERC2 is on the minus strand). VCF-style: chr15-28215708-G-A. GRCh37 (hg19) VCF-style: chr15-28460854-G-A.
Identifiers: ClinVar variation 1335173 (VCV001335173.36), dbSNP rs148503135, ClinGen allele CA7442146.